The following is an entry in ClinVar:

NM_001012339.3(DNAJC21):c.1143-20C>A

Gene: DNAJC21 (DnaJ heat shock protein family (Hsp40) member C21; plus strand). Cytogenetic location: 5p13.2.
Variant type: single nucleotide variant.
Coding change: c.1143-20C>A on transcript NM_001012339.3 (MANE Select); 20 bases into the intron before coding-DNA position 1143, C replaced by A.
Molecular consequence: intron variant. On other transcripts: synonymous variant (1).
Genome position (GRCh38, 1-based): chr5:34,945,741, C>A. VCF-style: chr5-34945741-C-A. GRCh37 (hg19) VCF-style: chr5-34945846-C-A.
Other names: c.1162C>A, p.Arg388= (NM_001348420.2); c.1143-20C>A (NM_194283.4).
Identifiers: ClinVar variation 1522060 (VCV001522060.5), dbSNP rs369359554, ClinGen allele CA3228726.
Genomic context (GRCh38, chr5:34,945,741, plus strand): 5'-TAGTGTTTCAACTTTTTTTTTTTTCCACTTACTCTTCACAGAGTCAAGTATTTGACATTT[C>A]GATTTATATTTGCTCTTAGGCTTTCTAAAAAACAGAAGAAAAAGAAACAGAAACCAGCAC-3'

ClinVar aggregate classification (germline): Uncertain significance (1 of 4 stars; one submission).

gnomAD v4.1: 40 of 1,567,918 alleles (0.0026%); highest among the groups gnomAD compares: Middle Eastern, 0.017%; no homozygotes.

Submission:

Labcorp Genetics (formerly Invitae), Labcorp
Classification: Uncertain significance. Last evaluated: 2022-08-24. Review status: criteria provided, single submitter. Criteria: Invitae Variant Classification Sherloc (09022015). Collection method: clinical testing. Allele origin: germline.
Comment: This sequence change falls in intron 8 of the DNAJC21 gene. It does not directly change the encoded amino acid sequence of the DNAJC21 protein. The frequency data for this variant in the population databases is considered unreliable, as metrics indicate poor data quality at this position in the gnomAD database. This variant has not been reported in the literature in individuals affected with DNAJC21-related conditions. ClinVar contains an entry for this variant (Variation ID: 1522060). Algorithms developed to predict the effect of sequence changes on RNA splicing suggest that this variant may disrupt the consensus splice site. In summary, the available evidence is currently insufficient to determine the role of this variant in disease. Therefore, it has been classified as a Variant of Uncertain Significance.